The following is an entry in ClinVar:

ClinVar aggregate classification (germline): Benign (1 of 4 stars; one submission).

Conditions:
Noonan syndrome 6 (NS6). Also called: NRAS-Related Noonan Syndrome. Identifiers: Orphanet 648, MedGen C2750732, MONDO:0013186, OMIM 613224.

Allele frequency attached by ClinVar (database versions not stated): gnomAD 0.00091 and 0.00133; TOPMed 0.00150; 1000 Genomes Project 30x 0.00625; 1000 Genomes Project 0.00679.

Submission:

Illumina Laboratory Services, Illumina
Classification: Benign for Noonan syndrome 6. Last evaluated: 2018-01-13. Review status: criteria provided, single submitter. Criteria: ICSL Variant Classification Criteria 13 December 2019. Collection method: clinical testing. Allele origin: germline.
Comment: This variant was observed in the ICSL laboratory as part of a predisposition screen in an ostensibly healthy population. It had not been previously curated by ICSL or reported in the Human Gene Mutation Database (HGMD: prior to June 1st, 2018), and was therefore a candidate for classification through an automated scoring system. Utilizing variant allele frequency, disease prevalence and penetrance estimates, and inheritance mode, an automated score was calculated to assess if this variant is too frequent to cause the disease. Based on the score and internal cut-off values, a variant classified as benign is not then subjected to further curation. The score for this variant resulted in a classification of benign for this disease.

NM_002524.5(NRAS):c.*3384C>T

Gene: NRAS (NRAS proto-oncogene, GTPase; minus strand). Cytogenetic location: 1p13.2.
Variant type: single nucleotide variant.
Coding change: c.*3384C>T on transcript NM_002524.5 (MANE Select); 3384 bases downstream of the stop codon, C replaced by T.
Molecular consequence: 3 prime UTR variant.
Genome position (GRCh38, 1-based): chr1:114,704,710, G>A on the plus strand (C>T on the coding strand, the complement: NRAS is on the minus strand). VCF-style: chr1-114704710-G-A. GRCh37 (hg19) VCF-style: chr1-115247331-G-A.
Identifiers: ClinVar variation 291942 (VCV000291942.5), dbSNP rs140049110, ClinGen allele CA10607568.